The following is an entry in ClinVar:

NM_001037333.3(CYFIP2):c.1013G>C (p.Ser338Thr)

Gene: CYFIP2 (cytoplasmic FMR1 interacting protein 2; plus strand). Cytogenetic location: 5q33.3.
Variant type: single nucleotide variant.
Coding change: c.1013G>C on transcript NM_001037333.3 (MANE Select); coding-DNA position 1013, G replaced by C.
Protein change: p.Ser338Thr; replaces serine 338 with threonine.
Molecular consequence: missense variant.
Genome position (GRCh38, 1-based): chr5:157,311,684, G>C. VCF-style: chr5-157311684-G-C. GRCh37 (hg19) VCF-style: chr5-156738692-G-C.
Other names: c.935G>C, p.Ser312Thr (NM_001291721.2); c.1013G>C, p.Ser338Thr (NM_001291722.2, NM_014376.4); short protein forms S338T, S312T.
Identifiers: ClinVar variation 2974874 (VCV002974874.3), dbSNP rs780920901, ClinGen allele CA3533519.
Genomic context (GRCh38, chr5:157,311,684, plus strand): 5'-GAGGCTGGGACCCTCTCCGACCCCATAATTTTCTACCCAGGTGGACGTGCACCCAGAGCA[G>C]CATCAGCCCCCAGTACAATATCTGCGAGCAGATGGTTCAGATCCGGGATGACCACATCCG-3'
Protein context (NP_001032410.1, residues 328-348): NKSKWTCTQS[Ser338Thr]ISPQYNICEQ

ClinVar aggregate classification (germline): Uncertain significance (1 of 4 stars; one submission).

Allele frequency attached by ClinVar (database versions not stated): TOPMed 0.00002; gnomAD exomes 0.00003; ExAC 0.00005.
gnomAD v4.1: 39 of 1,609,666 alleles (0.0024%); highest among the groups gnomAD compares: Middle Eastern, 0.066%; no homozygotes.

Submission:

Labcorp Genetics (formerly Invitae), Labcorp
Classification: Uncertain significance. Last evaluated: 2023-08-30. Review status: criteria provided, single submitter. Criteria: Invitae Variant Classification Sherloc (09022015). Collection method: clinical testing. Allele origin: germline.
Comment: Experimental studies and prediction algorithms are not available or were not evaluated, and the functional significance of this variant is currently unknown. In summary, the available evidence is currently insufficient to determine the role of this variant in disease. Therefore, it has been classified as a Variant of Uncertain Significance. This variant has not been reported in the literature in individuals affected with CYFIP2-related conditions. This variant is present in population databases (rs780920901, gnomAD 0.04%), and has an allele count higher than expected for a pathogenic variant. This sequence change replaces serine, which is neutral and polar, with threonine, which is neutral and polar, at codon 338 of the CYFIP2 protein (p.Ser338Thr).